The following is an entry in ClinVar:

NM_001287491.2(TET3):c.3529C>G (p.Gln1177Glu)

Gene: TET3 (tet methylcytosine dioxygenase 3; plus strand). Cytogenetic location: 2p13.1.
Variant type: single nucleotide variant.
Coding change: c.3529C>G on transcript NM_001287491.2 (MANE Select); coding-DNA position 3529, C replaced by G.
Protein change: p.Gln1177Glu; replaces glutamine 1177 with glutamic acid.
Molecular consequence: missense variant.
Genome position (GRCh38, 1-based): chr2:74,099,537, C>G. VCF-style: chr2-74099537-C-G. GRCh37 (hg19) VCF-style: chr2-74326664-C-G.
Other names: c.3250C>G, p.Gln1084Glu (NM_001366022.1); short protein forms Q1084E, Q1177E.
Identifiers: ClinVar variation 4540250 (VCV004540250.1).

ClinVar aggregate classification (germline): Uncertain significance (1 of 4 stars; one submission).

gnomAD v4.1: 3 of 1,611,698 alleles (0.00019%); highest among the groups gnomAD compares: South Asian, 0.0011%; no homozygotes.

Submission:

GeneDx
Classification: Uncertain significance. Last evaluated: 2025-06-26. Review status: criteria provided, single submitter. Criteria: GeneDx Variant Classification Process June 2021. Collection method: clinical testing. Allele origin: germline. Affected: yes.
Comment: Not observed at significant frequency in large population cohorts (gnomAD); In silico analysis supports that this missense variant has a deleterious effect on protein structure/function; Has not been previously published as pathogenic or benign to our knowledge